The following is an entry in ClinVar:

ClinVar aggregate classification (germline): Uncertain significance (1 of 4 stars; one submission).

Conditions:
Hyperekplexia 3 (HKPX3). Also called: HYPEREKPLEXIA 3, AUTOSOMAL RECESSIVE; HYPEREKPLEXIA 3, AUTOSOMAL DOMINANT. Identifiers: Orphanet 3197, MedGen C3553288, MONDO:0013827, OMIM 614618.

Submission:

Labcorp Genetics (formerly Invitae), Labcorp
Classification: Uncertain significance for Hyperekplexia 3. Last evaluated: 2021-09-28. Review status: criteria provided, single submitter. Criteria: Invitae Variant Classification Sherloc (09022015). Collection method: clinical testing. Allele origin: germline.
Comment: In summary, the available evidence is currently insufficient to determine the role of this variant in disease. Therefore, it has been classified as a Variant of Uncertain Significance. Experimental studies and prediction algorithms are not available or were not evaluated, and the functional significance of this variant is currently unknown. This variant has not been reported in the literature in individuals affected with SLC6A5-related conditions. This variant is a gross deletion of the genomic region encompassing exon(s) 15-16 of the SLC6A5 gene, which includes the termination codon. This deletion extends beyond the assayed region for this gene and therefore may encompass additional genes. While this deletion is not anticipated to lead to nonsense mediated decay, it is expected to alter mRNA translation or result in a truncated protein product.

NC_000011.9:g.(?_20673815)_(20676414_?)del

Gene: SLC6A5 (solute carrier family 6 member 5; plus strand). Cytogenetic location: 11p15.1.
Variant type: Deletion.
Identifiers: ClinVar variation 1446146 (VCV001446146.4).